The following is an entry in ClinVar:

ClinVar aggregate classification (germline): Pathogenic. Review status: reviewed by expert panel (3 of 4 stars). 3 submissions from 3 submitters: Pathogenic (1). 2 of the submissions do not count toward it. Last evaluated 2021-03-26.

Conditions:
Pitt-Hopkins syndrome (PTHS). Also called: ENCEPHALOPATHY, SEVERE EPILEPTIC, WITH AUTONOMIC DYSFUNCTION; MENTAL RETARDATION, SYNDROMAL, WITH INTERMITTENT HYPERVENTILATION. Identifiers: Orphanet 2896, MedGen C1970431, MONDO:0012589, OMIM 610954.

Submissions (3):

ClinGen Rett and Angelman-like Disorders Variant Curation Expert Panel
Classification: Pathogenic for Pitt-Hopkins syndrome. Last evaluated: 2021-03-26. Review status: reviewed by expert panel. Criteria: ClinGen RettAS ACMG Specifications V1. Collection method: curation. Allele origin: germline. Inheritance: Autosomal dominant inheritance.
Comment: The p.Gly656Argfs*55 variant in TCF4 is predicted to cause a premature stop codon that leads to a truncated or absent protein in a gene where loss-of-function is an established mechanism. There is significant evidence that loss of this region of the gene is pathogenic (PVS1). The p.Gly656Argfs*55 variant in TCF4 has been reported as a de novo occurrence (biological parentage confirmed) in an individual with Pitt-Hopkins syndrome (PMID 25326637) (PS2). This variant is absent from gnomAD (PM2_supporting). In summary, the p.Gly656Argfs*55 variant in TCF4 is classified as Pathogenic for Pitt-Hopkins syndrome based on the ACMG/AMP criteria (PVS1, PS2, PM2_supporting).

Genetic Services Laboratory, University of Chicago
Classification: Likely pathogenic for Pitt-Hopkins syndrome. Last evaluated: 2015-06-03. Review status: criteria provided, single submitter. Criteria: ACMG Guidelines, 2015. Collection method: clinical testing. Allele origin: germline. Affected: yes. Not counted in ClinVar's aggregate classification.

UCLA Clinical Genomics Center, UCLA
Classification: Pathogenic for Pitt-Hopkins syndrome. Last evaluated: 2014-06-10. Review status: criteria provided, single submitter. Criteria: Lee et al. (JAMA. 2014). Collection method: clinical testing. Allele origin: de novo. Inheritance: Autosomal dominant inheritance. Affected: yes. Study: CES. Not counted in ClinVar's aggregate classification.

Literature cited by the submitters: PubMed 25326637 (cited by ClinGen Rett and Angelman-like Disorders Variant Curation Expert Panel).

NM_001083962.2(TCF4):c.1965dup (p.Gly656fs)

Gene: TCF4 (transcription factor 4; minus strand). Cytogenetic location: 18q21.2.
Variant type: Duplication.
Coding change: c.1965dup on transcript NM_001083962.2 (MANE Select); coding-DNA position 1965, one base duplicated (C; older notation c.1965dupC).
Protein change: p.Gly656fs; shifts the reading frame from glycine 656.
Molecular consequence: frameshift variant.
Genome position (GRCh38, 1-based): chr18:55,228,276, G duplicated on the plus strand (C on the coding strand, the reverse complement: TCF4 is on the minus strand); the first of 2 consecutive G bases (chr18:55,228,276-55,228,277); duplicating either gives the same sequence. VCF-style (leftmost placement, unchanged base first): chr18-55228275-C-CG. GRCh37 (hg19) VCF-style: chr18-52895506-C-CG.
Other names: c.2271dup, p.Gly758fs (NM_001243226.3); c.1893dup, p.Gly632fs (NM_001243227.2, NM_001348217.1, NM_001348218.2 and 1 more transcripts); c.1983dup, p.Gly662fs (NM_001243228.2); c.1575dup, p.Gly526fs (NM_001330605.3, NM_001348213.2); c.1839dup, p.Gly614fs (NM_001348211.2); c.1563dup, p.Gly522fs (NM_001348212.2, NM_001243233.2); c.1470dup, p.Gly491fs (NM_001348214.2); c.1317dup, p.Gly440fs (NM_001348215.2); and 14 more; short protein forms G492fs, G581fs, G627fs, G632fs, G633fs, G655fs, G758fs, G491fs.
Identifiers: ClinVar variation 212379 (VCV000212379.8), dbSNP rs797046035, ClinGen allele CA276982.
Genomic context (GRCh38, chr18:55,228,275, plus strand): 5'-ACTTGCCCTTTTACATCTGTCCCATGTGATTCGATGCGTCTCCCATTCCAGGGTGTGGGC[C>CG]GGCCAAGGAGAGAGGGGGAGGCTCTGAGGACACCTTCTCTTCCTCCCTTCTTTTCAGACA-3'